The following is an entry in ClinVar:

ClinVar aggregate classification (germline): Uncertain significance (1 of 4 stars; one submission).

Conditions:
Chuvash polycythemia. Also called: POLYCYTHEMIA, VHL-DEPENDENT. Identifiers: Orphanet 238557, MedGen C1837915, MONDO:0009892, OMIM 263400.
Von Hippel-Lindau syndrome (VHLS). Also called: Von Hippel-Lindau; von Hippel–Lindau syndrome; VHL syndrome. Identifiers: Orphanet 892, MedGen C0019562, MONDO:0008667, OMIM 193300. Disease mechanism: loss of function.

Submission:

Labcorp Genetics (formerly Invitae), Labcorp
Classification: Uncertain significance for Von Hippel-Lindau syndrome; Chuvash polycythemia. Last evaluated: 2025-02-02. Review status: criteria provided, single submitter. Criteria: Invitae Variant Classification Sherloc (09022015). Collection method: clinical testing. Allele origin: germline.
Comment: This sequence change falls in intron 1 of the VHL gene. It is not expected to change the encoded amino acid sequence of the VHL protein. However, this sequence change falls within a cryptic exon in the VHL gene, known as exon E1’, which is naturally expressed at low levels in several human tissues (PMID: 29891534). This variant is not present in population databases (gnomAD no frequency). This variant has not been reported in the literature in individuals affected with VHL-related conditions. ClinVar contains an entry for this variant (Variation ID: 1381132). Experimental studies and prediction algorithms are not available or were not evaluated, and the functional significance of this variant is currently unknown. Algorithms developed to predict the effect of sequence changes on RNA splicing suggest that this variant is not likely to affect RNA splicing. In summary, the available evidence is currently insufficient to determine the role of this variant in disease. Therefore, it has been classified as a Variant of Uncertain Significance.

Literature cited by the submitters: PubMed 29891534.

NM_000551.4(VHL):c.340+691C>T

Genes: VHL (von Hippel-Lindau tumor suppressor; plus strand), LOC107303340 (3p25 von Hippel-Lindau tumor suppressor, E3 ubiquitin protein ligase Alu-mediated recombination region; plus strand). Cytogenetic location: 3p25.3.
Variant type: single nucleotide variant.
Coding change: c.340+691C>T on transcript NM_000551.4 (MANE Select); 691 bases into the intron after coding-DNA position 340, C replaced by T.
Molecular consequence: intron variant. On other transcripts: synonymous variant (1).
Genome position (GRCh38, 1-based): chr3:10,142,878, C>T. VCF-style: chr3-10142878-C-T. GRCh37 (hg19) VCF-style: chr3-10184562-C-T.
Other names: c.456C>T, p.Ala152= (NM_001354723.2); c.340+691C>T (NM_198156.3).
Identifiers: ClinVar variation 1381132 (VCV001381132.6), dbSNP rs1041395081, ClinGen allele CA2573136115.
Genomic context (GRCh38, chr3:10,142,878, plus strand): 5'-ATTCCTCCTGGGGAGACTGACAGATGCAAAGACAGGAACAAGCCAGGGTCATGTTGGCGC[C>T]GGAAGAGCCGACCGTGTGTGGCGTGGGAAATTGACTTACCTGCCTGCTGGGAGATGGAGG-3'